The following is an entry in ClinVar:

NM_001008216.2(GALE):c.435_453del (p.Asp145fs)

Gene: GALE (UDP-galactose-4-epimerase; minus strand). Cytogenetic location: 1p36.11.
Variant type: Deletion.
Coding change: c.435_453del on transcript NM_001008216.2 (MANE Select); coding-DNA positions 435 to 453, 19 bases deleted (TGAGGCCCACCCCACGGGT).
Protein change: p.Asp145fs; shifts the reading frame from aspartic acid 145.
Molecular consequence: frameshift variant.
Genome position (GRCh38, 1-based): chr1:23,797,770-23,797,788, ACCCGTGGGGTGGGCCTCA deleted on the plus strand (TGAGGCCCACCCCACGGGT on the coding strand, the reverse complement: GALE is on the minus strand). VCF-style (leftmost placement, unchanged base first): chr1-23797769-CACCCGTGGGGTGGGCCTCA-C. GRCh37 (hg19) VCF-style: chr1-24124259-CACCCGTGGGGTGGGCCTCA-C.
Other names: c.435_453del, p.Asp145fs (NM_000403.4, NM_001127621.2); short protein forms D145fs.
Identifiers: ClinVar variation 4813058 (VCV004813058.1).

ClinVar aggregate classification (germline): Likely pathogenic (1 of 4 stars; one submission).

Conditions:
UDPglucose-4-epimerase deficiency. Also called: Epimerase Deficiency Galactosemia; GALACTOSEMIA III; GALE DEFICIENCY; UDP-GALACTOSE-4-EPIMERASE DEFICIENCY; Galactose epimerase deficiency; UDPglucose 4-Epimerase Deficiency Disease. Identifiers: Orphanet 352, Orphanet 79238, MedGen C0751161, MONDO:0009257, OMIM 230350.

Submission:

Variantyx, Inc.
Classification: Likely pathogenic for UDPglucose-4-epimerase deficiency. Last evaluated: 2025-12-11. Review status: criteria provided, single submitter. Criteria: Variantyx Assertion Criteria 2022. Collection method: clinical testing. Allele origin: germline. Inheritance: Autosomal recessive inheritance.
Comment: This is a frameshift variant in the GALE gene (OMIM: 606953). Pathogenic variants in this gene have been associated with autosomal recessive galactose epimerase deficiency. This variant introduces a premature termination codon in exon 6 out of 12 exons. It is expected to result in loss of function, which is a known disease mechanism for GALE in this disorder (PMID:16301867) (PVS1). This variant has a 0.0002% maximum allele frequency in non-founder control populations (PM2). This variant has not been reported in individuals with GALE-related disorders in the databases available for review. Based on the current evidence, this variant is classified as likely pathogenic for autosomal recessive galactose epimerase deficiency

Literature cited by the submitters: PubMed 16301867.